The following is an entry in ClinVar:

ClinVar aggregate classification (germline): Pathogenic (1 of 4 stars; one submission).

Allele frequency attached by ClinVar (database versions not stated): gnomAD 0.00001.
gnomAD v4.1: 1 of 1,613,776 alleles (0.000062%); highest among the groups gnomAD compares: Non-Finnish European, 0.000085%; no homozygotes.

Submission:

Labcorp Genetics (formerly Invitae), Labcorp
Classification: Pathogenic. Last evaluated: 2024-08-04. Review status: criteria provided, single submitter. Criteria: Invitae Variant Classification Sherloc (09022015). Collection method: clinical testing. Allele origin: germline.
Comment: This sequence change creates a premature translational stop signal (p.Gln992*) in the MYO6 gene. It is expected to result in an absent or disrupted protein product. Loss-of-function variants in MYO6 are known to be pathogenic (PMID: 12687499, 18348273, 23767834, 25999546, 30582396). This variant is not present in population databases (gnomAD no frequency). This variant has not been reported in the literature in individuals affected with MYO6-related conditions. ClinVar contains an entry for this variant (Variation ID: 1452617). For these reasons, this variant has been classified as Pathogenic.

Literature cited by the submitters: PubMed 12687499; PubMed 18348273; PubMed 23767834; PubMed 25999546; PubMed 30582396.

NM_004999.4(MYO6):c.2974C>T (p.Gln992Ter)

Gene: MYO6 (myosin VI; plus strand). Cytogenetic location: 6q14.1.
Variant type: single nucleotide variant.
Coding change: c.2974C>T on transcript NM_004999.4 (MANE Select); coding-DNA position 2974, C replaced by T.
Protein change: p.Gln992Ter; replaces glutamine 992 with a stop codon.
Molecular consequence: nonsense. On other transcripts: non-coding transcript variant (1).
Genome position (GRCh38, 1-based): chr6:75,892,557, C>T. VCF-style: chr6-75892557-C-T. GRCh37 (hg19) VCF-style: chr6-76602274-C-T.
Other names: c.2974C>T, p.Gln992Ter (NM_001300899.2, NM_001368136.1, NM_001368137.1 and 2 more transcripts); c.2959C>T, p.Gln987Ter (NM_001368138.1); short protein forms Q992*, Q987*.
Identifiers: ClinVar variation 1452617 (VCV001452617.6), dbSNP rs1778981404, ClinGen allele CA364778337.
Genomic context (GRCh38, chr6:75,892,557, plus strand): 5'-ACTCTTGGTGAAATAGCTTTCTGCCCTTGTCAGGCTGAAGTGGAGGCACAGCTGGCCCGA[C>T]AGAAGGAGGAGGAATCCCAACAGCAAGCAGTTCTGGAGCAGGAGCGCAGGGACCGGGAGC-3'